The following is an entry in ClinVar:

ClinVar aggregate classification (germline): Pathogenic (1 of 4 stars; one submission).

Conditions:
Polyglucosan body myopathy type 1 (PGBM1). Also called: Polyglucosan body myopathy 1 with or without immunodeficiency; POLYGLUCOSAN BODY MYOPATHY WITHOUT IMMUNODEFICIENCY. Identifiers: Orphanet 329173, Orphanet 397937, MedGen C4014605, MONDO:0014389, OMIM 615895.

Submission:

Labcorp Genetics (formerly Invitae), Labcorp
Classification: Pathogenic for Polyglucosan body myopathy type 1. Last evaluated: 2026-01-18. Review status: criteria provided, single submitter. Criteria: Invitae Variant Classification Sherloc (09022015). Collection method: clinical testing. Allele origin: germline.
Comment: This sequence change creates a premature translational stop signal (p.Trp101*) in the RBCK1 gene. It is expected to result in an absent or disrupted protein product. Loss-of-function variants in RBCK1 are known to be pathogenic (PMID: 2379848, 23104095, 23889995). This variant is not present in population databases (gnomAD no frequency). This variant has not been reported in the literature in individuals affected with RBCK1-related conditions. For these reasons, this variant has been classified as Pathogenic.

Literature cited by the submitters: PubMed 2379848; PubMed 23104095; PubMed 23889995.

NM_031229.4(RBCK1):c.303G>A (p.Trp101Ter)

Gene: RBCK1 (RANBP2-type and C3HC4-type zinc finger containing 1; plus strand). Cytogenetic location: 20p13.
Variant type: single nucleotide variant.
Coding change: c.303G>A on transcript NM_031229.4 (MANE Select); coding-DNA position 303, G replaced by A.
Protein change: p.Trp101Ter; replaces tryptophan 101 with a stop codon.
Molecular consequence: nonsense. On other transcripts: 5 prime UTR variant (2), non-coding transcript variant (1).
Genome position (GRCh38, 1-based): chr20:417,773, G>A. VCF-style: chr20-417773-G-A. GRCh37 (hg19) VCF-style: chr20-398417-G-A.
Other names: c.-47G>A (NM_001323956.2, NM_001323958.2); c.354G>A, p.Trp118Ter (NM_001410770.1); c.177G>A, p.Trp59Ter (NM_006462.6); short protein forms W59*, W118*, W101*.
Identifiers: ClinVar variation 4766188 (VCV004766188.1).